The following is an entry in ClinVar:

ClinVar aggregate classification (germline): Pathogenic (1 of 4 stars; one submission).

Conditions:
Primary pulmonary hypertension. Also called: Idiopathic pulmonary hypertension. Identifiers: MedGen C0152171.

Submission:

Labcorp Genetics (formerly Invitae), Labcorp
Classification: Pathogenic for Primary pulmonary hypertension. Last evaluated: 2021-08-12. Review status: criteria provided, single submitter. Criteria: Invitae Variant Classification Sherloc (09022015). Collection method: clinical testing. Allele origin: germline.
Comment: This variant is a gross deletion of the genomic region encompassing exon(s) 10 of the BMPR2 gene. This deletion is out-of-frame, and is expected to create a premature termination codon and result in an absent or disrupted protein product. Loss-of-function variants in BMPR2 are known to be pathogenic (PMID: 16429395). A similar copy number variant has been observed in individuals with pulmonary arterial hypertension (PMID: 16429403, 23579436). For these reasons, this variant has been classified as Pathogenic.

Literature cited by the submitters: PubMed 16429395; PubMed 16429403; PubMed 23579436.

NC_000002.11:g.(?_203407024)_(203407180_?)del

Gene: BMPR2 (bone morphogenetic protein receptor type 2; plus strand). Cytogenetic location: 2q33.2.
Variant type: Deletion.
Identifiers: ClinVar variation 1419785 (VCV001419785.5).